The following is an entry in ClinVar:

ClinVar aggregate classification (germline): Likely pathogenic (1 of 4 stars; one submission).

Conditions:
Chromosome 2q32-q33 deletion syndrome (GLASS). Also called: Glass syndrome; 2q33.1 deletion syndrome. Identifiers: Orphanet 251019, MedGen C2676739, MONDO:0012864, OMIM 612313.

Submission:

Institute of Human Genetics, University of Goettingen
Classification: Likely pathogenic for Chromosome 2q32-q33 deletion syndrome. Last evaluated: 2024-10-21. Review status: criteria provided, single submitter. Criteria: ACMG Guidelines, 2015. Collection method: clinical testing. Allele origin: de novo. Inheritance: Autosomal dominant inheritance. Affected: yes. Observed: 1 heterozygote.
Comment: PM2_sup:Extremely low frequency in gnomAD population databases PM1_sup:Non-truncating non-synonymous variant is located in a mutational hot spot and/or critical and well-established functional domain PP2: Missense variant in a gene with low rate of benign missense mutations and for which missense mutation is a common mechanism of a disease PS2: de novo Variant with confirmed parentage

NM_001172509.2(SATB2):c.1126A>C (p.Ser376Arg)

Gene: SATB2 (SATB homeobox 2; minus strand). Cytogenetic location: 2q33.1.
Variant type: single nucleotide variant.
Coding change: c.1126A>C on transcript NM_001172509.2 (MANE Select); coding-DNA position 1126, A replaced by C.
Protein change: p.Ser376Arg; replaces serine 376 with arginine.
Molecular consequence: missense variant.
Genome position (GRCh38, 1-based): chr2:199,348,748, T>G on the plus strand (A>C on the coding strand, the complement: SATB2 is on the minus strand). VCF-style: chr2-199348748-T-G. GRCh37 (hg19) VCF-style: chr2-200213471-T-G.
Other names: c.1126A>C, p.Ser376Arg (NM_001172517.1, NM_015265.4); short protein forms S376R.
Identifiers: ClinVar variation 3366930 (VCV003366930.1).